The following is an entry in ClinVar:

ClinVar aggregate classification (germline): Likely benign. Review status: criteria provided, multiple submitters, no conflicts (2 of 4 stars). 2 submissions from 2 submitters: Likely benign (2). Last evaluated 2024-01-16.

Conditions:
ALG9 congenital disorder of glycosylation (CDG1L). Also called: CDG Il; CONGENITAL DISORDER OF GLYCOSYLATION, TYPE Il; ALG9-CDG. Identifiers: Orphanet 79328, MedGen C2931006, MONDO:0012117, OMIM 608776.

Allele frequency attached by ClinVar (database versions not stated): gnomAD exomes 0.00001; TOPMed 0.00001; ExAC 0.00002.
gnomAD v4.1: 9 of 1,613,750 alleles (0.00056%); highest among the groups gnomAD compares: Non-Finnish European, 0.00076%; no homozygotes.

Submissions (2):

Labcorp Genetics (formerly Invitae), Labcorp
Classification: Likely benign for ALG9 congenital disorder of glycosylation. Last evaluated: 2024-01-16. Review status: criteria provided, single submitter. Criteria: Invitae Variant Classification Sherloc (09022015). Collection method: clinical testing. Allele origin: germline.

GeneDx
Classification: Likely benign. Last evaluated: 2016-12-21. Review status: criteria provided, single submitter. Criteria: GeneDx Variant Classification (06012015). Collection method: clinical testing. Allele origin: germline. Affected: yes.
Comment: This variant is considered likely benign or benign based on one or more of the following criteria: it is a conservative change, it occurs at a poorly conserved position in the protein, it is predicted to be benign by multiple in silico algorithms, and/or has population frequency not consistent with disease.

NM_012463.4(ATP6V0A2):c.795G>A (p.Gly265=)

Gene: ATP6V0A2 (ATPase H+ transporting V0 subunit a2; plus strand). Cytogenetic location: 12q24.31.
Variant type: single nucleotide variant.
Coding change: c.795G>A on transcript NM_012463.4 (MANE Select); coding-DNA position 795, G replaced by A.
Protein change: p.Gly265=; no amino-acid change (glycine 265 retained).
Molecular consequence: synonymous variant.
Genome position (GRCh38, 1-based): chr12:123,735,594, G>A. VCF-style: chr12-123735594-G-A. GRCh37 (hg19) VCF-style: chr12-124220141-G-A.
Identifiers: ClinVar variation 391891 (VCV000391891.7), dbSNP rs754399086, ClinGen allele CA6861738.
Genomic context (GRCh38, chr12:123,735,594, plus strand): 5'-CCACTGCCACGTGTACCCCTATCCAAACACAGCCGAGGAGCGGAGGGAGATCCAGGAGGG[G>A]CTGAACACCCGCATCCAGGATCTCTACACTGTGAGTAAGCTGGAAGTGGATTGCCTCTTT-3'
Protein context (NP_036595.2, residues 255-275): TAEERREIQE[Gly265=]LNTRIQDLYT